The following is an entry in ClinVar:

ClinVar aggregate classification (germline): Likely benign (0 of 4 stars; one submission).

Conditions:
LAMA5-related disorder. Also called: LAMA5-Related Disorders; LAMA5-related condition.

Allele frequency attached by ClinVar (database versions not stated): gnomAD exomes 0.00006; ExAC 0.00010; gnomAD 0.00001.
gnomAD v4.1: 82 of 1,612,648 alleles (0.0051%); highest among the groups gnomAD compares: South Asian, 0.081%; no homozygotes.

Submission:

PreventionGenetics, part of Exact Sciences
Classification: Likely benign for LAMA5-related condition. Last evaluated: 2021-11-23. Review status: no assertion criteria provided. Collection method: clinical testing. Allele origin: germline.
Comment: This variant is classified as likely benign based on ACMG/AMP sequence variant interpretation guidelines (Richards et al. 2015 PMID: 25741868, with internal and published modifications).

NM_005560.6(LAMA5):c.1992C>T (p.Cys664=)

Gene: LAMA5 (laminin subunit alpha 5; minus strand). Cytogenetic location: 20q13.33.
Variant type: single nucleotide variant.
Coding change: c.1992C>T on transcript NM_005560.6 (MANE Select); coding-DNA position 1992, C replaced by T.
Protein change: p.Cys664=; no amino-acid change (cysteine 664 retained).
Molecular consequence: synonymous variant.
Genome position (GRCh38, 1-based): chr20:62,337,838, G>A on the plus strand (C>T on the coding strand, the complement: LAMA5 is on the minus strand). VCF-style: chr20-62337838-G-A. GRCh37 (hg19) VCF-style: chr20-60912894-G-A.
Identifiers: ClinVar variation 3047202 (VCV003047202.2), dbSNP rs749065410, ClinGen allele CA9943692.